The following is an entry in ClinVar:

NM_031272.5(TEX14):c.191C>T (p.Ala64Val)

Gene: TEX14 (testis expressed 14, intercellular bridge forming factor; minus strand). Cytogenetic location: 17q22.
Variant type: single nucleotide variant.
Coding change: c.191C>T on transcript NM_031272.5 (MANE Select); coding-DNA position 191, C replaced by T.
Protein change: p.Ala64Val; replaces alanine 64 with valine.
Molecular consequence: missense variant.
Genome position (GRCh38, 1-based): chr17:58,630,500, G>A on the plus strand (C>T on the coding strand, the complement: TEX14 is on the minus strand). VCF-style: chr17-58630500-G-A. GRCh37 (hg19) VCF-style: chr17-56707861-G-A.
Other names: c.191C>T, p.Ala64Val (NM_001201457.2, NM_198393.4); short protein forms A64V.
Identifiers: ClinVar variation 3731516 (VCV003731516.1).

ClinVar aggregate classification (germline): Uncertain significance (1 of 4 stars; one submission).

Conditions:
Spermatogenic failure 23. Identifiers: MedGen C4540185, MONDO:0054727, OMIM 617707.

gnomAD v4.1: 11 of 1,613,870 alleles (0.00068%); highest among the groups gnomAD compares: East Asian, 0.0022%; no homozygotes.

Submission:

Neuberg Centre For Genomic Medicine, NCGM
Classification: Uncertain significance for Spermatogenic failure 23. Last evaluated: 2023-06-22. Review status: criteria provided, single submitter. Criteria: ACMG Guidelines, 2015. Collection method: clinical testing. Allele origin: germline. Inheritance: Autosomal recessive inheritance. Affected: yes.
Comment: The missene c.191C>T(p.Ala64Val) variant in TEX14 gene has not been reported previously as a pathogenic variant nor as a benign variant, to our knowledge. The p.Ala64Val variant is absent in gnomAD Exomes. This variant has not been submitted to the ClinVar database. Multiple lines of computational evidences (Polyphen - Probably damaging, SIFT - Damaging and MutationTaster - Disease causing) predict a damaging effect on protein structure and function for this variant. The reference amino acid at this position on TEX14 gene is predicted as conserved by GERP++ and PhyloP across 100 vertebrates. The amino acid Ala at position 64 is changed to a Val changing protein sequence and it might alter its composition and physico-chemical properties. For these reasons, this variant has been classified as a Variant of Uncertain Significance (VUS).